The following is an entry in ClinVar:

NM_005720.4(ARPC1B):c.77G>C (p.Cys26Ser)

Gene: ARPC1B (actin related protein 2/3 complex subunit 1B; plus strand). Cytogenetic location: 7q22.1.
Variant type: single nucleotide variant.
Coding change: c.77G>C on transcript NM_005720.4 (MANE Select); coding-DNA position 77, G replaced by C.
Protein change: p.Cys26Ser; replaces cysteine 26 with serine.
Molecular consequence: missense variant.
Genome position (GRCh38, 1-based): chr7:99,386,697, G>C. VCF-style: chr7-99386697-G-C. GRCh37 (hg19) VCF-style: chr7-98984320-G-C.
Other names: short protein forms C26S.
Identifiers: ClinVar variation 1934012 (VCV001934012.5), dbSNP rs139034924, ClinGen allele CA4363895.
Genomic context (GRCh38, chr7:99,386,697, plus strand): 5'-GGGCAGTCATGGAGAGGGCCCCTCAATCTCCCTCCATCTCCCCTTCAGAGATTGCCATCT[G>C]CCCCAACAACCATGAGGTGCATATCTATGAAAAGAGCGGTGCCAAATGGACCAAGGTGCA-3'
Protein context (NP_005711.1, residues 16-36): WNKDRTQIAI[Cys26Ser]PNNHEVHIYE

ClinVar aggregate classification (germline): Uncertain significance. Review status: criteria provided, multiple submitters, no conflicts (2 of 4 stars). 2 submissions from 2 submitters: Uncertain significance (2). Last evaluated 2023-03-16.

Allele frequency attached by ClinVar (database versions not stated): gnomAD exomes below 0.00001; ExAC 0.00001; TOPMed 0.00001; gnomAD 0.00003; ESP Exome Variant Server 0.00008.
gnomAD v4.1: 6 of 1,613,828 alleles (0.00037%); highest among the groups gnomAD compares: Admixed American, 0.005%; 1 homozygote.

Submissions (2):

Blueprint Genetics
Classification: Uncertain significance. Last evaluated: 2023-03-16. Review status: criteria provided, single submitter. Criteria: ACMG Guidelines, 2015. Collection method: clinical testing. Allele origin: germline.

Labcorp Genetics (formerly Invitae), Labcorp
Classification: Uncertain significance. Last evaluated: 2022-08-22. Review status: criteria provided, single submitter. Criteria: Invitae Variant Classification Sherloc (09022015). Collection method: clinical testing. Allele origin: germline.
Comment: In summary, the available evidence is currently insufficient to determine the role of this variant in disease. Therefore, it has been classified as a Variant of Uncertain Significance. This sequence change replaces cysteine, which is neutral and slightly polar, with serine, which is neutral and polar, at codon 26 of the ARPC1B protein (p.Cys26Ser). This variant is not present in population databases (gnomAD no frequency). This variant has not been reported in the literature in individuals affected with ARPC1B-related conditions. Algorithms developed to predict the effect of missense changes on protein structure and function (SIFT, PolyPhen-2, Align-GVGD) all suggest that this variant is likely to be tolerated.